The following is an entry in ClinVar:

ClinVar aggregate classification (germline): Uncertain significance (1 of 4 stars; one submission).

Allele frequency attached by ClinVar (database versions not stated): TOPMed 0.00009.
gnomAD v4.1: 42 of 1,614,058 alleles (0.0026%); highest among the groups gnomAD compares: African/African-American, 0.0053%; no homozygotes.

Submission:

Labcorp Genetics (formerly Invitae), Labcorp
Classification: Uncertain significance. Last evaluated: 2026-01-12. Review status: criteria provided, single submitter. Criteria: Invitae Variant Classification Sherloc (09022015). Collection method: clinical testing. Allele origin: germline.
Comment: This sequence change replaces valine, which is neutral and non-polar, with isoleucine, which is neutral and non-polar, at codon 1569 of the ABCA4 protein (p.Val1569Ile). This variant is present in population databases (rs373023236, gnomAD 0.005%). This variant has not been reported in the literature in individuals affected with ABCA4-related conditions. ClinVar contains an entry for this variant (Variation ID: 998881). Invitae Evidence Modeling of protein sequence and biophysical properties (such as structural, functional, and spatial information, amino acid conservation, physicochemical variation, residue mobility, and thermodynamic stability) indicates that this missense variant is not expected to disrupt ABCA4 protein function with a negative predictive value of 95%. In summary, the available evidence is currently insufficient to determine the role of this variant in disease. Therefore, it has been classified as a Variant of Uncertain Significance.

NM_000350.3(ABCA4):c.4705G>A (p.Val1569Ile)

Genes: ABCA4 (ATP binding cassette subfamily A member 4; minus strand), LOC126805793 (CDK7 strongly-dependent group 2 enhancer GRCh37_chr1:94486302-94487501; plus strand). Cytogenetic location: 1p22.1.
Variant type: single nucleotide variant.
Coding change: c.4705G>A on transcript NM_000350.3 (MANE Select); coding-DNA position 4705, G replaced by A.
Protein change: p.Val1569Ile; replaces valine 1569 with isoleucine.
Molecular consequence: missense variant.
Genome position (GRCh38, 1-based): chr1:94,021,914, C>T on the plus strand (G>A on the coding strand, the complement: ABCA4 is on the minus strand). VCF-style: chr1-94021914-C-T. GRCh37 (hg19) VCF-style: chr1-94487470-C-T.
Other names: c.4483G>A, p.Val1495Ile (NM_001425324.1); short protein forms V1569I, V1495I.
Identifiers: ClinVar variation 998881 (VCV000998881.8), dbSNP rs373023236, ClinGen allele CA957506.